The following is an entry in ClinVar:

ClinVar aggregate classification (germline): Uncertain significance. Review status: criteria provided, multiple submitters, no conflicts (2 of 4 stars). 2 submissions from 2 submitters: Uncertain significance (2). Last evaluated 2021-09-28.

Conditions:
Cardiac arrhythmia, ankyrin-B-related. Also called: ANKYRIN-B SYNDROME. Identifiers: Orphanet 101016, Orphanet 768, MedGen C1970119, MONDO:0010958, OMIM 600919.

gnomAD v4.1: 1 of 1,614,222 alleles (0.000062%); highest among the groups gnomAD compares: Non-Finnish European, 0.000085%; no homozygotes.

Submissions (2):

Fulgent Genetics
Classification: Uncertain significance for Cardiac arrhythmia, ankyrin-B-related. Last evaluated: 2021-09-28. Review status: criteria provided, single submitter. Criteria: ACMG Guidelines, 2015. Collection method: clinical testing. Allele origin: unknown.

GeneDx
Classification: Uncertain significance. Last evaluated: 2019-08-15. Review status: criteria provided, single submitter. Criteria: GeneDx Variant Classification Process June 2021. Collection method: clinical testing. Allele origin: germline. Affected: yes.
Comment: Not observed in large population cohorts (Lek et al., 2016); In silico analysis, which includes protein predictors and evolutionary conservation, supports a deleterious effect; Has not been previously published as pathogenic or benign to our knowledge

NM_001148.6(ANK2):c.1069C>T (p.Pro357Ser)

Gene: ANK2 (ankyrin 2; plus strand). Cytogenetic location: 4q26.
Variant type: single nucleotide variant.
Coding change: c.1069C>T on transcript NM_001148.6 (MANE Select); coding-DNA position 1069, C replaced by T.
Protein change: p.Pro357Ser; replaces proline 357 with serine.
Molecular consequence: missense variant.
Genome position (GRCh38, 1-based): chr4:113,255,813, C>T. VCF-style: chr4-113255813-C-T. GRCh37 (hg19) VCF-style: chr4-114176969-C-T.
Other names: c.1006C>T, p.Pro336Ser (NM_001127493.3, NM_001354239.2, NM_001354243.2 and 14 more transcripts); c.1069C>T, p.Pro357Ser (NM_001354225.2, NM_001354228.2, NM_001354232.2 and 9 more transcripts); c.1114C>T, p.Pro372Ser (NM_001354230.2, NM_001354231.2, NM_001354237.2 and 5 more transcripts); c.982C>T, p.Pro328Ser (NM_001354249.2, NM_001354260.2, NM_001354264.2 and 16 more transcripts); c.1027C>T, p.Pro343Ser (NM_001354261.2, NM_001386147.1, NM_001386160.1); c.1057C>T, p.Pro353Ser (NM_001354269.3, NM_001386148.2, NM_001386186.2); c.1120C>T, p.Pro374Ser (NM_001386174.1); c.1096C>T, p.Pro366Ser (NM_001386175.1); and 1 more; short protein forms P353S, P372S, P343S, P328S, P336S, P357S, P345S, P366S.
Identifiers: ClinVar variation 973034 (VCV000973034.5), dbSNP rs2049005904, ClinGen allele CA357926526.